The following is an entry in ClinVar:

NM_004364.5(CEBPA):c.298G>A (p.Gly100Ser)

Gene: CEBPA (CCAAT enhancer binding protein alpha; minus strand). Cytogenetic location: 19q13.11.
Variant type: single nucleotide variant.
Coding change: c.298G>A on transcript NM_004364.5 (MANE Select); coding-DNA position 298, G replaced by A.
Protein change: p.Gly100Ser; replaces glycine 100 with serine.
Molecular consequence: missense variant. On other transcripts: 5 prime UTR variant (1).
Genome position (GRCh38, 1-based): chr19:33,302,117, C>T on the plus strand (G>A on the coding strand, the complement: CEBPA is on the minus strand). VCF-style: chr19-33302117-C-T. GRCh37 (hg19) VCF-style: chr19-33793023-C-T.
Other names: c.-60G>A (NM_001285829.2); c.403G>A, p.Gly135Ser (NM_001287424.2); c.256G>A, p.Gly86Ser (NM_001287435.2); short protein forms G100S, G135S, G86S.
Identifiers: ClinVar variation 1486750 (VCV001486750.8), dbSNP rs1289919155, ClinGen allele CA405275245.

ClinVar aggregate classification (germline): Uncertain significance (1 of 4 stars; one submission).

Conditions:
Acute myeloid leukemia (AML). Also called: Leukemia, acute myeloid, somatic; Leukemia, acute myelogenous, somatic; Acute myeloid leukemia, adult; AML adult; Acute non-lymphocytic leukemia; Acute granulocytic leukemia. Identifiers: Orphanet 519, MedGen C0023467, MeSH D015470, MONDO:0018874, OMIM 601626, HP:0004808. Disease mechanism: Constitutively activated FLT3.

Allele frequency attached by ClinVar (database versions not stated): gnomAD 0.00001; gnomAD exomes 0.00001.

Submission:

Labcorp Genetics (formerly Invitae), Labcorp
Classification: Uncertain significance for Acute myeloid leukemia. Last evaluated: 2020-11-19. Review status: criteria provided, single submitter. Criteria: Invitae Variant Classification Sherloc (09022015). Collection method: clinical testing. Allele origin: germline.
Comment: This sequence change replaces glycine with serine at codon 100 of the CEBPA protein (p.Gly100Ser). The glycine residue is weakly conserved and there is a small physicochemical difference between glycine and serine. The frequency data for this variant in the population databases is considered unreliable, as metrics indicate insufficient coverage at this position in the ExAC database. In summary, the available evidence is currently insufficient to determine the role of this variant in disease. Therefore, it has been classified as a Variant of Uncertain Significance. Algorithms developed to predict the effect of missense changes on protein structure and function are either unavailable or do not agree on the potential impact of this missense change (SIFT: "Tolerated"; PolyPhen-2: "Possibly Damaging"; Align-GVGD: "Class C0"). This variant has not been reported in the literature in individuals with CEBPA-related conditions.